The following is an entry in ClinVar:

NM_001170629.2(CHD8):c.339G>A (p.Ser113=)

Gene: CHD8 (chromodomain helicase DNA binding protein 8; minus strand). Cytogenetic location: 14q11.2.
Variant type: single nucleotide variant.
Coding change: c.339G>A on transcript NM_001170629.2 (MANE Select); coding-DNA position 339, G replaced by A.
Protein change: p.Ser113=; no amino-acid change (serine 113 retained).
Molecular consequence: synonymous variant. On other transcripts: intron variant (1).
Genome position (GRCh38, 1-based): chr14:21,431,305, C>T on the plus strand (G>A on the coding strand, the complement: CHD8 is on the minus strand). VCF-style: chr14-21431305-C-T. GRCh37 (hg19) VCF-style: chr14-21899464-C-T.
Other names: c.6+506G>A (NM_020920.4).
Identifiers: ClinVar variation 2151215 (VCV002151215.6), dbSNP rs1166832405, ClinGen allele CA484992531.

ClinVar aggregate classification (germline): Likely benign. Review status: criteria provided, multiple submitters, no conflicts (2 of 4 stars). 2 submissions from 2 submitters: Likely benign (2). Last evaluated 2026-05-01.

Allele frequency attached by ClinVar (database versions not stated): TOPMed below 0.00001; gnomAD 0.00001; gnomAD exomes 0.00001.
gnomAD v4.1: 16 of 1,556,318 alleles (0.001%); highest among the groups gnomAD compares: East Asian, 0.0095%; no homozygotes.

Submissions (2):

CeGaT Center for Human Genetics Tuebingen
Classification: Likely benign. Last evaluated: 2026-05-01. Review status: criteria provided, single submitter. Criteria: CeGaT Center For Human Genetics Tuebingen Variant Classification Criteria Version 2. Collection method: clinical testing. Allele origin: germline. Affected: yes. Observed: 1 variant allele.
Comment: CHD8: BP4, BP7

Labcorp Genetics (formerly Invitae), Labcorp
Classification: Likely benign. Last evaluated: 2025-09-02. Review status: criteria provided, single submitter. Criteria: Invitae Variant Classification Sherloc (09022015). Collection method: clinical testing. Allele origin: germline.